The following is an entry in ClinVar:

ClinVar aggregate classification (germline): Uncertain significance (1 of 4 stars; one submission).

Conditions:
Multiple congenital anomalies-hypotonia-seizures syndrome 1 (MCAHS1). Also called: PIGN-CDG; Congenital disorder of glycosylation due to PIGN deficiency; GLYCOSYLPHOSPHATIDYLINOSITOL BIOSYNTHESIS DEFECT 3. Identifiers: Orphanet 280633, MedGen C3279775, MONDO:0013563, OMIM 614080.

Submission:

Labcorp Genetics (formerly Invitae), Labcorp
Classification: Uncertain significance for Multiple congenital anomalies-hypotonia-seizures syndrome 1. Last evaluated: 2023-10-13. Review status: criteria provided, single submitter. Criteria: Invitae Variant Classification Sherloc (09022015). Collection method: clinical testing. Allele origin: germline.
Comment: This sequence change replaces glutamic acid, which is acidic and polar, with alanine, which is neutral and non-polar, at codon 122 of the PIGN protein (p.Glu122Ala). This variant is not present in population databases (gnomAD no frequency). This variant has not been reported in the literature in individuals affected with PIGN-related conditions. ClinVar contains an entry for this variant (Variation ID: 2120622). Advanced modeling of protein sequence and biophysical properties (such as structural, functional, and spatial information, amino acid conservation, physicochemical variation, residue mobility, and thermodynamic stability) performed at Invitae indicates that this missense variant is expected to disrupt PIGN protein function. In summary, the available evidence is currently insufficient to determine the role of this variant in disease. Therefore, it has been classified as a Variant of Uncertain Significance.

NM_176787.5(PIGN):c.365A>C (p.Glu122Ala)

Gene: PIGN (phosphatidylinositol glycan anchor biosynthesis class N; minus strand). Cytogenetic location: 18q21.33.
Variant type: single nucleotide variant.
Coding change: c.365A>C on transcript NM_176787.5 (MANE Select); coding-DNA position 365, A replaced by C.
Protein change: p.Glu122Ala; replaces glutamic acid 122 with alanine.
Molecular consequence: missense variant.
Genome position (GRCh38, 1-based): chr18:62,157,206, T>G on the plus strand (A>C on the coding strand, the complement: PIGN is on the minus strand). VCF-style: chr18-62157206-T-G. GRCh37 (hg19) VCF-style: chr18-59824439-T-G.
Other names: c.365A>C, p.Glu122Ala (NM_012327.6); short protein forms E122A.
Identifiers: ClinVar variation 2120622 (VCV002120622.4), dbSNP rs1375582177, ClinGen allele CA402603381.